The following is an entry in ClinVar:

ClinVar aggregate classification (germline): Pathogenic (1 of 4 stars; one submission).

Conditions:
Intellectual disability-microcephaly-strabismus-behavioral abnormalities syndrome. Also called: White-Sutton Syndrome. Identifiers: Orphanet 468678, MedGen C4225351, MONDO:0014606, OMIM 616364.

Submission:

Institute of Human Genetics, University of Leipzig Medical Center
Classification: Pathogenic for Intellectual disability-microcephaly-strabismus-behavioral abnormalities syndrome. Last evaluated: 2023-04-21. Review status: criteria provided, single submitter. Criteria: ACMG Guidelines, 2015. Collection method: clinical testing. Allele origin: de novo. Inheritance: Autosomal dominant inheritance. Affected: yes.
Comment: Criteria applied: PVS1,PS2,PM2_SUP

NM_015100.4(POGZ):c.1725del (p.Leu576fs)

Gene: POGZ (pogo transposable element derived with ZNF domain; minus strand). Cytogenetic location: 1q21.3.
Variant type: Deletion.
Coding change: c.1725del on transcript NM_015100.4 (MANE Select); coding-DNA position 1725, one base deleted (T; older notation c.1725delT).
Protein change: p.Leu576fs; shifts the reading frame from leucine 576.
Molecular consequence: frameshift variant.
Genome position (GRCh38, 1-based): chr1:151,412,350, A deleted on the plus strand (T on the coding strand, the reverse complement: POGZ is on the minus strand); the first of 3 consecutive A bases (chr1:151,412,350-151,412,352); deleting any one gives the same sequence. VCF-style (leftmost placement, unchanged base first): chr1-151412349-GA-G. GRCh37 (hg19) VCF-style: chr1-151384825-GA-G.
Other names: c.1698del, p.Leu567fs (NM_001194937.2); c.1539del, p.Leu514fs (NM_001194938.2); c.1746del, p.Leu583fs (NM_001410860.1); c.1440del, p.Leu481fs (NM_145796.4); c.1566del, p.Leu523fs (NM_207171.2); short protein forms L481fs, L514fs, L523fs, L567fs, L576fs, L583fs.
Identifiers: ClinVar variation 2578432 (VCV002578432.2), dbSNP rs2529281582, ClinGen allele CA2580617631.